The following is an entry in ClinVar:

NM_004385.5(VCAN):c.1575G>C (p.Met525Ile)

Gene: VCAN (versican; plus strand). Cytogenetic location: 5q14.3.
Variant type: single nucleotide variant.
Coding change: c.1575G>C on transcript NM_004385.5 (MANE Select); coding-DNA position 1575, G replaced by C.
Protein change: p.Met525Ile; replaces methionine 525 with isoleucine.
Molecular consequence: missense variant. On other transcripts: intron variant (2).
Genome position (GRCh38, 1-based): chr5:83,519,881, G>C. VCF-style: chr5-83519881-G-C. GRCh37 (hg19) VCF-style: chr5-82815700-G-C.
Other names: c.1575G>C, p.Met525Ile (NM_001164098.2); c.1042+7485G>C (NM_001164097.2, NM_001126336.3); short protein forms M525I.
Identifiers: ClinVar variation 2059200 (VCV002059200.4), dbSNP rs146518697, ClinGen allele CA360301012.

ClinVar aggregate classification (germline): Uncertain significance (1 of 4 stars; one submission).

Submission:

Labcorp Genetics (formerly Invitae), Labcorp
Classification: Uncertain significance. Last evaluated: 2021-12-24. Review status: criteria provided, single submitter. Criteria: Invitae Variant Classification Sherloc (09022015). Collection method: clinical testing. Allele origin: germline.
Comment: This variant has not been reported in the literature in individuals affected with VCAN-related conditions. This sequence change replaces methionine, which is neutral and non-polar, with isoleucine, which is neutral and non-polar, at codon 525 of the VCAN protein (p.Met525Ile). This variant is not present in population databases (gnomAD no frequency). Algorithms developed to predict the effect of missense changes on protein structure and function output the following: SIFT: "Tolerated"; PolyPhen-2: "Benign"; Align-GVGD: "Class C0". The isoleucine amino acid residue is found in multiple mammalian species, which suggests that this missense change does not adversely affect protein function. In summary, the available evidence is currently insufficient to determine the role of this variant in disease. Therefore, it has been classified as a Variant of Uncertain Significance.